The following is an entry in ClinVar:

NM_004517.4(ILK):c.781C>T (p.Pro261Ser)

Genes: ILK (integrin linked kinase; plus strand), TAF10 (TATA-box binding protein associated factor 10; minus strand). Cytogenetic location: 11p15.4.
Variant type: single nucleotide variant.
Coding change: c.781C>T on transcript NM_004517.4 (MANE Select); coding-DNA position 781, C replaced by T.
Protein change: p.Pro261Ser; replaces proline 261 with serine.
Molecular consequence: missense variant. On other transcripts: 3 prime UTR variant (1).
Genome position (GRCh38, 1-based): chr11:6,609,564, C>T. VCF-style: chr11-6609564-C-T. GRCh37 (hg19) VCF-style: chr11-6630795-C-T.
Other names: c.781C>T, p.Pro261Ser (NM_001014794.3, NM_001014795.3); c.598C>T, p.Pro200Ser (NM_001278441.2); c.379C>T, p.Pro127Ser (NM_001278442.2); c.*1358G>A (NM_006284.4); short protein forms P261S, P200S, P127S.
Identifiers: ClinVar variation 3528900 (VCV003528900.1).

ClinVar aggregate classification (germline): Uncertain significance (1 of 4 stars; one submission).

gnomAD v4.1: 1 of 1,614,198 alleles (0.000062%); highest among the groups gnomAD compares: Non-Finnish European, 0.000085%; no homozygotes.

Submission:

Ambry Genetics
Classification: Uncertain significance. Last evaluated: 2024-09-24. Review status: criteria provided, single submitter. Criteria: Ambry Variant Classification Scheme 2023. Collection method: clinical testing. Allele origin: germline.
Comment: The p.P261S variant (also known as c.781C>T), located in coding exon 8 of the ILK gene, results from a C to T substitution at nucleotide position 781. The proline at codon 261 is replaced by serine, an amino acid with similar properties. This amino acid position is conserved. In addition, the in silico prediction for this alteration is inconclusive. Based on the available evidence, the clinical significance of this variant remains unclear.